The following is an entry in ClinVar:

ClinVar aggregate classification (germline): Uncertain significance (1 of 4 stars; one submission).

Conditions:
KBG syndrome (KBGS). Also called: ANKRD11-Related KBG Syndrome. Identifiers: Orphanet 2332, MedGen C0220687, MONDO:0007846, OMIM 148050.

Submission:

Labcorp Genetics (formerly Invitae), Labcorp
Classification: Uncertain significance for KBG syndrome. Last evaluated: 2023-04-10. Review status: criteria provided, single submitter. Criteria: Invitae Variant Classification Sherloc (09022015). Collection method: clinical testing. Allele origin: germline.
Comment: In summary, the available evidence is currently insufficient to determine the role of this variant in disease. Therefore, it has been classified as a Variant of Uncertain Significance. Experimental studies and prediction algorithms are not available or were not evaluated, and the functional significance of this variant is currently unknown. This variant has not been reported in the literature in individuals affected with ANKRD11-related conditions. This variant is not present in population databases (gnomAD no frequency). This variant, c.2391_2393del, results in the deletion of 1 amino acid(s) of the ANKRD11 protein (p.Glu797del), but otherwise preserves the integrity of the reading frame.

NM_013275.6(ANKRD11):c.2388AGA[1] (p.Glu797del)

Gene: ANKRD11 (ankyrin repeat domain 11; minus strand). Cytogenetic location: 16q24.3.
Variant type: Microsatellite.
Coding change: c.2388AGA[1] on transcript NM_013275.6 (MANE Select); one copy of the 3-base unit AGA starting at c.2388; the reference has two copies in a row; one copy, 3 bases deleted.
Protein change: p.Glu797del; deletes glutamic acid 797.
Molecular consequence: inframe deletion.
Genome position (GRCh38, 1-based): chr16:89,284,149-89,284,151, TCT deleted on the plus strand (AGA on the coding strand, the reverse complement: ANKRD11 is on the minus strand); deleting any 3 consecutive bases within chr16:89,284,149-89,284,155 gives the same sequence; the position shown is the placement nearest the transcript's 3' end. VCF-style (leftmost placement, unchanged base first): chr16-89284148-ATCT-A. GRCh37 (hg19) VCF-style: chr16-89350556-ATCT-A.
Other names: c.2388AGA[1], p.Glu797del (NM_001256182.2, NM_001256183.2); short protein forms E797del.
Identifiers: ClinVar variation 2854876 (VCV002854876.3), dbSNP rs2544241410, ClinGen allele CA2739266982.